The following is an entry in ClinVar:

NM_017636.4(TRPM4):c.2704T>C (p.Phe902Leu)

Gene: TRPM4 (transient receptor potential cation channel subfamily M member 4; plus strand). Cytogenetic location: 19q13.33.
Variant type: single nucleotide variant.
Coding change: c.2704T>C on transcript NM_017636.4 (MANE Select); coding-DNA position 2704, T replaced by C.
Protein change: p.Phe902Leu; replaces phenylalanine 902 with leucine.
Molecular consequence: missense variant.
Genome position (GRCh38, 1-based): chr19:49,200,358, T>C. VCF-style: chr19-49200358-T-C. GRCh37 (hg19) VCF-style: chr19-49703615-T-C.
Other names: c.2269T>C, p.Phe757Leu (NM_001195227.2); c.2359T>C, p.Phe787Leu (NM_001321281.2); c.1096T>C, p.Phe366Leu (NM_001321282.2); c.2182T>C, p.Phe728Leu (NM_001321283.2); c.1642T>C, p.Phe548Leu (NM_001321285.2); short protein forms F366L, F548L, F728L, F757L, F787L, F902L.
Identifiers: ClinVar variation 1014490 (VCV001014490.6), dbSNP rs766643255, ClinGen allele CA9569623.

ClinVar aggregate classification (germline): Uncertain significance (1 of 4 stars; one submission).

Conditions:
Progressive familial heart block type IB (PFHB1B). Identifiers: Orphanet 871, MedGen C1970298, MONDO:0011474, OMIM 604559.

Allele frequency attached by ClinVar (database versions not stated): gnomAD below 0.00001 and 0.00001; ExAC 0.00002; gnomAD exomes 0.00002.

Submission:

Labcorp Genetics (formerly Invitae), Labcorp
Classification: Uncertain significance for Progressive familial heart block type IB. Last evaluated: 2023-12-07. Review status: criteria provided, single submitter. Criteria: Invitae Variant Classification Sherloc (09022015). Collection method: clinical testing. Allele origin: germline.
Comment: This sequence change replaces phenylalanine, which is neutral and non-polar, with leucine, which is neutral and non-polar, at codon 902 of the TRPM4 protein (p.Phe902Leu). This variant is present in population databases (rs766643255, gnomAD 0.02%), including at least one homozygous and/or hemizygous individual. This variant has not been reported in the literature in individuals affected with TRPM4-related conditions. ClinVar contains an entry for this variant (Variation ID: 1014490). An algorithm developed to predict the effect of missense changes on protein structure and function (PolyPhen-2) suggests that this variant is likely to be disruptive. In summary, the available evidence is currently insufficient to determine the role of this variant in disease. Therefore, it has been classified as a Variant of Uncertain Significance.